The following is an entry in ClinVar:

NM_000169.3(GLA):c.547+72C>T

Genes: GLA (galactosidase alpha; minus strand), RPL36A-HNRNPH2 (RPL36A-HNRNPH2 readthrough; plus strand). Cytogenetic location: Xq22.1.
Variant type: single nucleotide variant.
Coding change: c.547+72C>T on transcript NM_000169.3 (MANE Select); 72 bases into the intron after coding-DNA position 547, C replaced by T.
Molecular consequence: intron variant. On other transcripts: nonsense (1).
Genome position (GRCh38, 1-based): chrX:101,401,560, G>A on the plus strand (C>T on the coding strand, the complement: GLA is on the minus strand). VCF-style: chrX-101401560-G-A. GRCh37 (hg19) VCF-style: chrX-100656548-G-A.
Other names: c.742C>T, p.Gln248Ter (NM_001406749.1); c.300+6103G>A (NM_001199973.2); c.177+9738G>A (NM_001199974.2); c.670+72C>T (NM_001406747.1); c.547+72C>T (NM_001406748.1); short protein forms Q248*.
Identifiers: ClinVar variation 4984203 (VCV004984203.1).

ClinVar aggregate classification (germline): Likely benign (1 of 4 stars; one submission).

Conditions:
GLA-related disorder. Also called: GLA-related condition.

gnomAD v4.1: 21 of 872,653 alleles (0.0024%); highest among the groups gnomAD compares: Non-Finnish European, 0.0032%; no homozygotes.

Submission:

PreventionGenetics, part of Exact Sciences
Classification: Likely benign for GLA-related condition. Last evaluated: 2024-12-20. Review status: criteria provided, single submitter. Criteria: ACMG Guidelines, 2015. Collection method: clinical testing. Allele origin: germline.
Comment: This variant is classified as likely benign based on ACMG/AMP sequence variant interpretation guidelines (Richards et al. 2015 PMID: 25741868, with internal and published modifications).